The following is an entry in ClinVar:

ClinVar aggregate classification (germline): Uncertain significance (0 of 4 stars; one submission).

Conditions:
HNF1B-related disorder. Also called: HNF1B-related disorders; HNF1B-related condition.

gnomAD v4.1: 5 of 1,613,382 alleles (0.00031%); highest among the groups gnomAD compares: Admixed American, 0.005%; no homozygotes.

Submission:

PreventionGenetics, part of Exact Sciences
Classification: Uncertain significance for HNF1B-related condition. Last evaluated: 2024-03-14. Review status: no assertion criteria provided. Collection method: clinical testing. Allele origin: germline.
Comment: The HNF1B c.181G>A variant is predicted to result in the amino acid substitution p.Val61Ile. To our knowledge, this variant has not been reported in the literature. This variant is reported in 0.0085% of alleles in individuals of Latino descent in gnomAD. An alternate nucleotide substitution affecting the same amino acid (p.Val61Gly) has been reported in multiple individuals with renal abnormalities or diabetes, but was also found in controls (Table 2, Edghill et al. 2006. PubMed ID: 15930087; Table S3, Flannick et al. 2013. PubMed ID: 24097065; Table S2, Hwang et al. 2014. PubMed ID: 24429398). At this time, the clinical significance of the c.181G>A (p.Val61Ile) variant is uncertain due to the absence of conclusive functional and genetic evidence.

NM_000458.4(HNF1B):c.181G>A (p.Val61Ile)

Gene: HNF1B (HNF1 homeobox B; minus strand). Cytogenetic location: 17q12.
Variant type: single nucleotide variant.
Coding change: c.181G>A on transcript NM_000458.4 (MANE Select); coding-DNA position 181, G replaced by A.
Protein change: p.Val61Ile; replaces valine 61 with isoleucine.
Molecular consequence: missense variant.
Genome position (GRCh38, 1-based): chr17:37,744,704, C>T on the plus strand (G>A on the coding strand, the complement: HNF1B is on the minus strand). VCF-style: chr17-37744704-C-T. GRCh37 (hg19) VCF-style: chr17-36104695-C-T.
Other names: c.181G>A, p.Val61Ile (NM_001165923.4, NM_001304286.2, NM_001411100.1); short protein forms V61I.
Identifiers: ClinVar variation 3350322 (VCV003350322.1).